The following is an entry in ClinVar:

ClinVar aggregate classification (germline): Uncertain significance (1 of 4 stars; one submission).

Conditions:
Autosomal recessive ataxia, Beauce type. Also called: SYNE1-Related Autosomal Recessive Cerebellar Ataxia; SYNE1 Deficiency; Spinocerebellar ataxia, autosomal recessive 8; ATAXIA, RECESSIVE, OF BEAUCE. Identifiers: Orphanet 88644, MedGen C1853116, MONDO:0012549, OMIM 610743.
Emery-Dreifuss muscular dystrophy 4, autosomal dominant (EDMD4). Also called: EMERY-DREIFUSS MUSCULAR DYSTROPHY 4 WITH VARIABLE FEATURES. Identifiers: Orphanet 261, MedGen C2751807, MONDO:0013071, OMIM 612998.

Allele frequency attached by ClinVar (database versions not stated): gnomAD exomes 0.00001; TOPMed 0.00002.
gnomAD v4.1: 14 of 1,614,168 alleles (0.00087%); highest among the groups gnomAD compares: Non-Finnish European, 0.001%; no homozygotes.

Submission:

Labcorp Genetics (formerly Invitae), Labcorp
Classification: Uncertain significance for Emery-Dreifuss muscular dystrophy 4, autosomal dominant; Autosomal recessive ataxia, Beauce type. Last evaluated: 2021-12-02. Review status: criteria provided, single submitter. Criteria: Invitae Variant Classification Sherloc (09022015). Collection method: clinical testing. Allele origin: germline.
Comment: This sequence change replaces glutamic acid, which is acidic and polar, with valine, which is neutral and non-polar, at codon 8527 of the SYNE1 protein (p.Glu8527Val). This variant is present in population databases (no rsID available, gnomAD 0.002%). This variant has not been reported in the literature in individuals affected with SYNE1-related conditions. Algorithms developed to predict the effect of missense changes on protein structure and function are either unavailable or do not agree on the potential impact of this missense change (SIFT: "Deleterious"; PolyPhen-2: "Probably Damaging"; Align-GVGD: "Class C0"). Algorithms developed to predict the effect of sequence changes on RNA splicing suggest that this variant may create or strengthen a splice site. In summary, the available evidence is currently insufficient to determine the role of this variant in disease. Therefore, it has been classified as a Variant of Uncertain Significance.

NM_182961.4(SYNE1):c.25724A>T (p.Glu8575Val)

Gene: SYNE1 (spectrin repeat containing nuclear envelope protein 1; minus strand). Cytogenetic location: 6q25.2.
Variant type: single nucleotide variant.
Coding change: c.25724A>T on transcript NM_182961.4 (MANE Select); coding-DNA position 25724, A replaced by T.
Protein change: p.Glu8575Val; replaces glutamic acid 8575 with valine.
Molecular consequence: missense variant.
Genome position (GRCh38, 1-based): chr6:152,135,168, T>A on the plus strand (A>T on the coding strand, the complement: SYNE1 is on the minus strand). VCF-style: chr6-152135168-T-A. GRCh37 (hg19) VCF-style: chr6-152456303-T-A.
Other names: c.2330A>T, p.Glu777Val (NM_001347701.2); c.2258A>T, p.Glu753Val (NM_001347702.2); c.25580A>T, p.Glu8527Val (NM_033071.5); short protein forms E8527V, E8575V, E753V, E777V.
Identifiers: ClinVar variation 1346459 (VCV001346459.7), dbSNP rs1258380992, ClinGen allele CA366078604.